The following is an entry in ClinVar:

NM_017644.3(KLHL24):c.53A>G (p.Asp18Gly)

Gene: KLHL24 (kelch like family member 24; plus strand). Cytogenetic location: 3q27.1.
Variant type: single nucleotide variant.
Coding change: c.53A>G on transcript NM_017644.3 (MANE Select); coding-DNA position 53, A replaced by G.
Protein change: p.Asp18Gly; replaces aspartic acid 18 with glycine.
Molecular consequence: missense variant. On other transcripts: 5 prime UTR variant (2), non-coding transcript variant (2).
Genome position (GRCh38, 1-based): chr3:183,650,409, A>G. VCF-style: chr3-183650409-A-G. GRCh37 (hg19) VCF-style: chr3-183368197-A-G.
Other names: c.53A>G, p.Asp18Gly (NM_001349413.1, NM_001349414.1, NM_001349415.1 and 11 more transcripts); c.-914A>G (NM_001349428.1, NM_001349429.1); short protein forms D18G.
Identifiers: ClinVar variation 3354026 (VCV003354026.1).

ClinVar aggregate classification (germline): Uncertain significance (0 of 4 stars; one submission).

Conditions:
KLHL24-related disorder. Also called: KLHL24-related condition.

gnomAD v4.1: 1 of 1,614,170 alleles (0.000062%); highest among the groups gnomAD compares: Non-Finnish European, 0.000085%; no homozygotes.

Submission:

PreventionGenetics, part of Exact Sciences
Classification: Uncertain significance for KLHL24-related condition. Last evaluated: 2024-05-15. Review status: no assertion criteria provided. Collection method: clinical testing. Allele origin: germline.
Comment: The KLHL24 c.53A>G variant is predicted to result in the amino acid substitution p.Asp18Gly. To our knowledge, this variant has not been reported in the literature or in a large population database, indicating this variant is rare. At this time, the clinical significance of this variant is uncertain due to the absence of conclusive functional and genetic evidence.